The following is an entry in ClinVar:

ClinVar aggregate classification (germline): Uncertain significance. Review status: criteria provided, multiple submitters, no conflicts (2 of 4 stars). 4 submissions from 4 submitters: Uncertain significance (4). Last evaluated 2025-05-02.

Conditions:
TNXB-related disorder. Also called: TNXB-related condition.
Cardiovascular phenotype. Identifiers: MedGen CN230736.

Allele frequency attached by ClinVar (database versions not stated): gnomAD exomes below 0.00001.
gnomAD v4.1: 4 of 1,613,282 alleles (0.00025%); highest among the groups gnomAD compares: Non-Finnish European, 0.00034%; no homozygotes.

Submissions (4):

Ambry Genetics
Classification: Uncertain significance for Cardiovascular phenotype. Last evaluated: 2025-05-02. Review status: criteria provided, single submitter. Criteria: Ambry Variant Classification Scheme 2023. Collection method: clinical testing. Allele origin: germline.
Comment: The p.G2481S variant (also known as c.7441G>A), located in coding exon 20 of the TNXB gene, results from a G to A substitution at nucleotide position 7441. The glycine at codon 2481 is replaced by serine, an amino acid with similar properties. This amino acid position is conserved. In addition, this alteration is predicted to be tolerated by in silico analysis. Based on the available evidence, the clinical significance of this variant remains unclear.

PreventionGenetics, part of Exact Sciences
Classification: Uncertain significance for TNXB-related condition. Last evaluated: 2025-03-31. Review status: criteria provided, single submitter. Criteria: ACMG Guidelines, 2015. Collection method: clinical testing. Allele origin: germline.
Comment: The TNXB c.7441G>A variant is predicted to result in the amino acid substitution p.Gly2481Ser. To our knowledge, this variant has not been reported in the literature. This variant is reported in 0.00090% of alleles in individuals of European (Non-Finnish) descent in gnomAD. At this time, the clinical significance of this variant is uncertain due to the absence of conclusive functional and genetic evidence.

Blueprint Genetics
Classification: Uncertain significance. Last evaluated: 2023-12-01. Review status: criteria provided, single submitter. Criteria: ACMG Guidelines, 2015. Collection method: clinical testing. Allele origin: germline.

CeGaT Center for Human Genetics Tuebingen
Classification: Uncertain significance. Last evaluated: 2022-10-01. Review status: criteria provided, single submitter. Criteria: CeGaT Center For Human Genetics Tuebingen Variant Classification Criteria Version 2. Collection method: clinical testing. Allele origin: germline. Affected: yes. Observed: 1 variant allele.
Comment: TNXB: PM2

NM_001365276.2(TNXB):c.7441G>A (p.Gly2481Ser)

Gene: TNXB (tenascin XB; minus strand). Cytogenetic location: 6p21.33.
Variant type: single nucleotide variant.
Coding change: c.7441G>A on transcript NM_001365276.2 (MANE Select); coding-DNA position 7441, G replaced by A.
Protein change: p.Gly2481Ser; replaces glycine 2481 with serine.
Molecular consequence: missense variant.
Genome position (GRCh38, 1-based): chr6:32,061,448, C>T on the plus strand (G>A on the coding strand, the complement: TNXB is on the minus strand). VCF-style: chr6-32061448-C-T. GRCh37 (hg19) VCF-style: chr6-32029225-C-T.
Other names: c.7441G>A (NM_019105.6); c.7441G>A, p.Gly2481Ser (NM_019105.8); short protein forms G2481S.
Identifiers: ClinVar variation 2656445 (VCV002656445.26), dbSNP rs1356060018, ClinGen allele CA363552272.